The following is an entry in ClinVar:

NM_014363.6(SACS):c.1839G>A (p.Gln613=)

Gene: SACS (sacsin molecular chaperone; minus strand). Cytogenetic location: 13q12.12.
Variant type: single nucleotide variant.
Coding change: c.1839G>A on transcript NM_014363.6 (MANE Select); coding-DNA position 1839, G replaced by A.
Protein change: p.Gln613=; no amino-acid change (glutamine 613 retained).
Molecular consequence: synonymous variant.
Genome position (GRCh38, 1-based): chr13:23,354,773, C>T on the plus strand (G>A on the coding strand, the complement: SACS is on the minus strand). VCF-style: chr13-23354773-C-T. GRCh37 (hg19) VCF-style: chr13-23928912-C-T.
Other names: c.1398G>A, p.Gln466= (NM_001278055.2).
Identifiers: ClinVar variation 260394 (VCV000260394.28), dbSNP rs35840595, ClinGen allele CA6911843.

ClinVar aggregate classification (germline): Benign/Likely benign. Review status: criteria provided, multiple submitters, no conflicts (2 of 4 stars). 9 submissions from 9 submitters: Benign (5); Likely benign (1). 3 of the submissions do not count toward it. Last evaluated 2026-02-04.

Conditions:
Spastic paraplegia. Identifiers: MedGen C0037772, HP:0001258.
Hereditary spastic paraplegia. Also called: Familial spastic paraparesis. Identifiers: Orphanet 685, MedGen C0037773, MONDO:0019064. Disease mechanism: loss of function.
Charlevoix-Saguenay spastic ataxia (SACS). Also called: Spastic ataxia of Charlevoix-Saguenay; SPASTIC ATAXIA 6, AUTOSOMAL RECESSIVE; AUTOSOMAL RECESSIVE SPASTIC ATAXIA OF CHARLEVOIX-SAGUENAY. Identifiers: Orphanet 98, MedGen C1849140, MONDO:0010041, OMIM 270550.

Allele frequency attached by ClinVar (database versions not stated): 1000 Genomes Project 0.02796; TOPMed 0.03023; gnomAD 0.02663 and 0.02863; ESP Exome Variant Server 0.02999; 1000 Genomes Project 30x 0.02951.
gnomAD v4.1: 8,133 of 1,614,054 alleles (0.5%); highest among the groups gnomAD compares: African/African-American, 9.2%; 320 homozygotes.

Submissions (9):

Labcorp Genetics (formerly Invitae), Labcorp
Classification: Benign for Spastic paraplegia. Last evaluated: 2026-02-04. Review status: criteria provided, single submitter. Criteria: Invitae Variant Classification Sherloc (09022015). Collection method: clinical testing. Allele origin: germline.

Athena Diagnostics
Classification: Benign. Last evaluated: 2023-12-13. Review status: criteria provided, single submitter. Criteria: Athena Diagnostics Criteria. Collection method: clinical testing. Allele origin: unknown.

Genome Diagnostics Laboratory, The Hospital for Sick Children
Classification: Benign for Hereditary spastic paraplegia. Last evaluated: 2021-11-05. Review status: criteria provided, single submitter. Criteria: ACMG Guidelines, 2015. Collection method: clinical testing. Allele origin: germline. Affected: yes.

GeneDx
Classification: Benign. Last evaluated: 2019-03-21. Review status: criteria provided, single submitter. Criteria: GeneDx Variant Classification Process June 2021. Collection method: clinical testing. Allele origin: germline. Affected: yes.

Breakthrough Genomics
Classification: Likely benign. Review status: criteria provided, single submitter. Criteria: ACMG Guidelines, 2015. Collection method: not provided. Allele origin: germline. Inheritance: Autosomal recessive inheritance. Affected: yes.

PreventionGenetics, part of Exact Sciences
Classification: Benign. Review status: criteria provided, single submitter. Criteria: ACMG Guidelines, 2015. Collection method: clinical testing. Allele origin: germline.

Natera, Inc.
Classification: Benign for Charlevoix-Saguenay type spastic ataxia. Last evaluated: 2020-09-16. Review status: no assertion criteria provided. Collection method: clinical testing. Allele origin: germline. Not counted in ClinVar's aggregate classification.

Mayo Clinic Laboratories, Mayo Clinic
Classification: Benign. Last evaluated: 2017-08-22. Review status: no assertion criteria provided. Collection method: clinical testing. Allele origin: unknown. Not counted in ClinVar's aggregate classification.

PROSPAX: an integrated multimodal progression  chart in spastic ataxias, Center for Neurology; Hertie-Institute for Clinical Brain Research
Classification: Likely pathogenic for Charlevoix-Saguenay spastic ataxia. Last evaluated: 2022-01-01. Review status: flagged submission. Criteria: ACMG Guidelines, 2015. Collection method: research. Allele origin: germline. Affected: yes. Not counted in ClinVar's aggregate classification.
ClinVar note: Reason: Outlier claim with insufficient supporting evidence